The following is an entry in ClinVar:

NM_004985.5(KRAS):c.112-9C>T

Gene: KRAS (KRas proto-oncogene, GTPase; minus strand). Cytogenetic location: 12p12.1.
Variant type: single nucleotide variant.
Coding change: c.112-9C>T on transcript NM_004985.5 (MANE Select); 9 bases into the intron before coding-DNA position 112, C replaced by T.
Molecular consequence: intron variant.
Genome position (GRCh38, 1-based): chr12:25,227,421, G>A on the plus strand (C>T on the coding strand, the complement: KRAS is on the minus strand). VCF-style: chr12-25227421-G-A. GRCh37 (hg19) VCF-style: chr12-25380355-G-A.
Other names: c.112-9C>T (NM_001369787.1, NM_001369786.1, NM_033360.4).
Identifiers: ClinVar variation 177714 (VCV000177714.15), dbSNP rs727504298, ClinGen allele CA180646.

ClinVar aggregate classification (germline): Conflicting classifications of pathogenicity. Review status: criteria provided, conflicting classifications (1 of 4 stars). 4 submissions from 4 submitters: Uncertain significance (1); Likely benign (2). 1 of the submissions does not count toward it. Last evaluated 2025-11-07.

Conditions:
Noonan syndrome 3 (NS3). Also called: KRAS-Related Noonan Syndrome. Identifiers: Orphanet 648, MedGen C1860991, MONDO:0012371, OMIM 609942.
Autoimmune lymphoproliferative syndrome type 4. Also called: AUTOIMMUNE LYMPHOPROLIFERATIVE SYNDROME, TYPE IV; RAS-associated autoimmune leukoproliferative disorder. Identifiers: Orphanet 268114, MedGen C2674723, MONDO:0013767, OMIM 614470.
Linear nevus sebaceous syndrome. Also called: JADASSOHN NEVUS PHAKOMATOSIS; NEVUS SEBACEUS OF JADASSOHN; ORGANOID NEVUS PHAKOMATOSIS; SFM SYNDROME; Nevus, Sebaceous of Jadassohn; SCHIMMELPENNING-FEUERSTEIN-MIMS SYNDROME, SOMATIC MOSAIC. Identifiers: Orphanet 2612, MedGen C4552097, MONDO:0008097, OMIM 163200, HP:0010817.
Cerebral arteriovenous malformation (BAVM). Also called: Arteriovenous malformations of the brain; CEREBRAL ARTERIOVENOUS MALFORMATIONS. Identifiers: Orphanet 46724, MedGen C0917804, MONDO:0007154, OMIM 108010, HP:0002408.
Toriello-Lacassie-Droste syndrome. Identifiers: Orphanet 3339, MedGen C1838329, MONDO:0010854, OMIM 600268.
Malignant tumor of urinary bladder. Also called: Bladder cancer; Urinary Bladder Neoplasms; Urinary bladder cancer. Identifiers: MedGen C0005684, MONDO:0001187, OMIM 109800.
Lung cancer. Also called: Lung cancer, somatic; Malignant tumor of lung. Identifiers: MedGen C0242379, MONDO:0008903, OMIM 211980.
Cardiofaciocutaneous syndrome 2 (CFC2). Also called: KRAS-Related Cardiofaciocutaneous Syndrome. Identifiers: Orphanet 1340, MedGen C3809005, MONDO:0014112, OMIM 615278.
Familial cancer of breast. Also called: hereditary breast carcinoma; BREAST CANCER, FAMILIAL; Hereditary breast cancer. Identifiers: Orphanet 227535, MedGen C0346153, MONDO:0016419, OMIM 114480. Disease mechanism: loss of function.
Acute myeloid leukemia (AML). Also called: Acute myeloid leukemia, adult; AML adult; Acute non-lymphocytic leukemia; Acute granulocytic leukemia; Leukemia, acute myeloid, somatic; Leukemia, acute myelogenous, somatic. Identifiers: Orphanet 519, MedGen C0023467, MeSH D015470, MONDO:0018874, OMIM 601626, HP:0004808. Disease mechanism: Constitutively activated FLT3.
Gastric cancer. Also called: Stomach cancer; Malignant tumor of stomach. Identifiers: MedGen C0024623, MeSH D013274, MONDO:0001056, OMIM 613659, HP:0012126.
Carcinoma of pancreas. Also called: PANCREATIC ACINAR CARCINOMA; PANCREATIC CARCINOMA; Pancreatic cancer, somatic; Pancreatic carcinoma, somatic; Exocrine pancreatic carcinoma. Identifiers: Orphanet 1333, Orphanet 217074, MedGen C0235974, MONDO:0005192. Disease mechanism: loss of function.
RASopathy. Also called: rasopathies; Noonan spectrum disorder. Identifiers: Orphanet 536391, MedGen C5555857, MONDO:0021060.

Allele frequency attached by ClinVar (database versions not stated): ExAC 0.00001.
gnomAD v4.1: 2 of 1,613,382 alleles (0.00012%); highest among the groups gnomAD compares: Non-Finnish European, 0.00017%; no homozygotes.

Submissions (4):

Dasa
Classification: Uncertain significance. Last evaluated: 2025-11-07. Review status: criteria provided, single submitter. Criteria: DASA Assertion Criteria. Collection method: clinical testing. Allele origin: germline.
Comment: NM_004985.5(KRAS):c.112-9C>T is a splice-region variant. This variant is rare in population databases. Computational prediction algorithms are consistent with a deleterious effect. The currently available literature and clinical evidence are not sufficient to establish a definitive association between this variant and the reported condition. Therefore, this variant is classified as a variant of uncertain significance.

Labcorp Genetics (formerly Invitae), Labcorp
Classification: Likely benign for RASopathy. Last evaluated: 2022-09-01. Review status: criteria provided, single submitter. Criteria: Invitae Variant Classification Sherloc (09022015). Collection method: clinical testing. Allele origin: germline.

Fulgent Genetics
Classification: Likely benign for Cerebral arteriovenous malformation; Malignant tumor of urinary bladder; Familial cancer of breast; Linear nevus sebaceous syndrome; Lung cancer; Familial pancreatic carcinoma; Toriello-Lacassie-Droste syndrome; Acute myeloid leukemia; Noonan syndrome 3; Gastric cancer; Autoimmune lymphoproliferative syndrome type 4; Cardiofaciocutaneous syndrome 2. Last evaluated: 2021-08-09. Review status: criteria provided, single submitter. Criteria: ACMG Guidelines, 2015. Collection method: clinical testing. Allele origin: unknown.

Laboratory for Molecular Medicine, Mass General Brigham Personalized Medicine
Classification: Uncertain significance. Last evaluated: 2007-01-12. Review status: no assertion criteria provided. Collection method: clinical testing. Allele origin: somatic. Observed: 1 variant allele. Not counted in ClinVar's aggregate classification.